The following is an entry in ClinVar:

ClinVar aggregate classification (germline): Uncertain significance. Review status: criteria provided, multiple submitters, no conflicts (2 of 4 stars). 4 submissions from 4 submitters: Uncertain significance (4). Last evaluated 2025-07-31.

Conditions:
Brody myopathy. Also called: BRODY DISEASE. Identifiers: Orphanet 53347, MedGen C1832918, MONDO:0010977, OMIM 601003.
Inborn genetic diseases. Identifiers: MedGen C0950123, MeSH D030342.

Allele frequency attached by ClinVar (database versions not stated): ExAC 0.00002; gnomAD exomes 0.00004 and 0.00009; gnomAD 0.00007; TOPMed 0.00008.
gnomAD v4.1: 145 of 1,613,996 alleles (0.009%); highest among the groups gnomAD compares: Non-Finnish European, 0.012%; no homozygotes.

Submissions (4):

Labcorp Genetics (formerly Invitae), Labcorp
Classification: Uncertain significance for Brody myopathy. Last evaluated: 2025-07-31. Review status: criteria provided, single submitter. Criteria: Invitae Variant Classification Sherloc (09022015). Collection method: clinical testing. Allele origin: germline.
Comment: This sequence change replaces arginine, which is basic and polar, with glutamine, which is neutral and polar, at codon 63 of the ATP2A1 protein (p.Arg63Gln). This variant is present in population databases (rs774708450, gnomAD 0.01%). This missense change has been observed in individual(s) with clinical features of ATP2A1-related conditions (internal data). ClinVar contains an entry for this variant (Variation ID: 318766). An algorithm developed to predict the effect of missense changes on protein structure and function (PolyPhen-2) suggests that this variant is likely to be disruptive. In summary, the available evidence is currently insufficient to determine the role of this variant in disease. Therefore, it has been classified as a Variant of Uncertain Significance.

Revvity Omics, Revvity
Classification: Uncertain significance for Brody myopathy. Last evaluated: 2023-01-25. Review status: criteria provided, single submitter. Criteria: ACMG Guidelines, 2015. Collection method: clinical testing. Allele origin: germline.

Ambry Genetics
Classification: Uncertain significance for Inborn genetic diseases. Last evaluated: 2022-01-31. Review status: criteria provided, single submitter. Criteria: Ambry Variant Classification Scheme 2023. Collection method: clinical testing. Allele origin: germline.

Illumina Laboratory Services, Illumina
Classification: Uncertain significance for Brody myopathy. Last evaluated: 2018-01-13. Review status: criteria provided, single submitter. Criteria: ICSL Variant Classification Criteria 13 December 2019. Collection method: clinical testing. Allele origin: germline.

NM_004320.6(ATP2A1):c.188G>A (p.Arg63Gln)

Genes: ATP2A1-AS1 (ATP2A1 antisense RNA 1; minus strand), ATP2A1 (ATPase sarcoplasmic/endoplasmic reticulum Ca2+ transporting 1; plus strand). Cytogenetic location: 16p11.2.
Variant type: single nucleotide variant.
Coding change: c.188G>A on transcript NM_004320.6 (MANE Select); coding-DNA position 188, G replaced by A.
Protein change: p.Arg63Gln; replaces arginine 63 with glutamine.
Molecular consequence: missense variant. On other transcripts: non-coding transcript variant (4).
Genome position (GRCh38, 1-based): chr16:28,879,552, G>A. VCF-style: chr16-28879552-G-A. GRCh37 (hg19) VCF-style: chr16-28890873-G-A.
Other names: c.188G>A, p.Arg63Gln (NM_173201.5); c.188G>A (NM_173201.4); short protein forms R63Q.
Identifiers: ClinVar variation 318766 (VCV000318766.12), dbSNP rs774708450, ClinGen allele CA7986563.